The following is an entry in ClinVar:

NM_002900.3(RBP3):c.1613A>G (p.Tyr538Cys)

Gene: RBP3 (retinol binding protein 3; plus strand). Cytogenetic location: 10q11.22.
Variant type: single nucleotide variant.
Coding change: c.1613A>G on transcript NM_002900.3 (MANE Select); coding-DNA position 1613, A replaced by G.
Protein change: p.Tyr538Cys; replaces tyrosine 538 with cysteine.
Molecular consequence: missense variant.
Genome position (GRCh38, 1-based): chr10:47,350,097, A>G. VCF-style: chr10-47350097-A-G. GRCh37 (hg19) VCF-style: chr10-48389265-T-C.
Other names: short protein forms Y538C.
Identifiers: ClinVar variation 1009970 (VCV001009970.5), dbSNP rs782164621, ClinGen allele CA5487480.
Genomic context (GRCh38, chr10:47,350,097, plus strand): 5'-AGGAGCACTTCAGCCACATGGAGCTCCCGGGCCCACGCTACAGCACCCAACGTGGGGTGT[A>G]TCTGCTCACCAGCCACCGCACCGCCACGGCCGCGGAGGAGTTCGCCTTCCTTATGCAGTC-3'
Protein context (NP_002891.1, residues 528-548): GPRYSTQRGV[Tyr538Cys]LLTSHRTATA

ClinVar aggregate classification (germline): Uncertain significance. Review status: criteria provided, multiple submitters, no conflicts (2 of 4 stars). 2 submissions from 2 submitters: Uncertain significance (2). Last evaluated 2024-07-16.

Allele frequency attached by ClinVar (database versions not stated): gnomAD 0.00002 and 0.00003; ExAC 0.00003; gnomAD exomes 0.00003 and 0.00004; TOPMed 0.00003.
gnomAD v4.1: 60 of 1,612,910 alleles (0.0037%); highest among the groups gnomAD compares: Non-Finnish European, 0.0048%; no homozygotes.

Submissions (2):

Blueprint Genetics
Classification: Uncertain significance. Last evaluated: 2024-07-16. Review status: criteria provided, single submitter. Criteria: ACMG Guidelines, 2015. Collection method: clinical testing. Allele origin: germline.

Labcorp Genetics (formerly Invitae), Labcorp
Classification: Uncertain significance. Last evaluated: 2024-01-02. Review status: criteria provided, single submitter. Criteria: Invitae Variant Classification Sherloc (09022015). Collection method: clinical testing. Allele origin: germline.
Comment: This sequence change replaces tyrosine, which is neutral and polar, with cysteine, which is neutral and slightly polar, at codon 538 of the RBP3 protein (p.Tyr538Cys). The frequency data for this variant in the population databases is considered unreliable, as metrics indicate poor data quality at this position in the gnomAD database. This variant has not been reported in the literature in individuals affected with RBP3-related conditions. ClinVar contains an entry for this variant (Variation ID: 1009970). An algorithm developed to predict the effect of missense changes on protein structure and function (PolyPhen-2) suggests that this variant is likely to be disruptive. In summary, the available evidence is currently insufficient to determine the role of this variant in disease. Therefore, it has been classified as a Variant of Uncertain Significance.